The following is an entry in ClinVar:

NM_024675.4(PALB2):c.3050C>G (p.Ala1017Gly)

Gene: PALB2 (partner and localizer of BRCA2; minus strand). Cytogenetic location: 16p12.2.
Variant type: single nucleotide variant.
Coding change: c.3050C>G on transcript NM_024675.4 (MANE Select); coding-DNA position 3050, C replaced by G.
Protein change: p.Ala1017Gly; replaces alanine 1017 with glycine.
Molecular consequence: missense variant.
Genome position (GRCh38, 1-based): chr16:23,621,425, G>C on the plus strand (C>G on the coding strand, the complement: PALB2 is on the minus strand). VCF-style: chr16-23621425-G-C. GRCh37 (hg19) VCF-style: chr16-23632746-G-C.
Other names: short protein forms A1017G.
Identifiers: ClinVar variation 1500797 (VCV001500797.9), dbSNP rs2142327332, ClinGen allele CA395143030.
Genomic context (GRCh38, chr16:23,621,425, plus strand): 5'-ATAACAATGTTGTTCATAATAGTAGTACCAAGCAGAGCTTCTTGCATCCCTTGGACCTCA[G>C]CAAAAGTTAGTATAGTCTCCTCAGGGGGCATCAAAAATTGGTTTTCTTTGCCTCTGTAAT-3'
Protein context (NP_078951.2, residues 1007-1027): MPPEETILTF[Ala1017Gly]EVQGMQEALL

ClinVar aggregate classification (germline): Uncertain significance (1 of 4 stars; one submission).

Conditions:
Familial cancer of breast. Also called: hereditary breast carcinoma; Hereditary breast cancer; BREAST CANCER, FAMILIAL. Identifiers: Orphanet 227535, MedGen C0346153, MONDO:0016419, OMIM 114480. Disease mechanism: loss of function.

Submission:

Labcorp Genetics (formerly Invitae), Labcorp
Classification: Uncertain significance for Familial cancer of breast. Last evaluated: 2021-01-07. Review status: criteria provided, single submitter. Criteria: Invitae Variant Classification Sherloc (09022015). Collection method: clinical testing. Allele origin: germline.
Comment: This sequence change replaces alanine with glycine at codon 1017 of the PALB2 protein (p.Ala1017Gly). The alanine residue is highly conserved and there is a small physicochemical difference between alanine and glycine. This variant is not present in population databases (ExAC no frequency). This variant has not been reported in the literature in individuals with PALB2-related conditions. Algorithms developed to predict the effect of missense changes on protein structure and function are either unavailable or do not agree on the potential impact of this missense change (SIFT: "Deleterious"; PolyPhen-2: "Benign"; Align-GVGD: "Class C0"). Algorithms developed to predict the effect of sequence changes on RNA splicing suggest that this variant may create or strengthen a splice site, but this prediction has not been confirmed by published transcriptional studies. In summary, the available evidence is currently insufficient to determine the role of this variant in disease. Therefore, it has been classified as a Variant of Uncertain Significance.